The following is an entry in ClinVar:

ClinVar aggregate classification (germline): Pathogenic (1 of 4 stars; one submission).

Submission:

GeneDx
Classification: Pathogenic. Last evaluated: 2022-01-28. Review status: criteria provided, single submitter. Criteria: GeneDx Variant Classification Process June 2021. Collection method: clinical testing. Allele origin: germline. Affected: yes.
Comment: Missense variants in this gene are often considered pathogenic (HGMD); Not observed at significant frequency in large population cohorts (gnomAD); In silico analysis supports that this missense variant has a deleterious effect on protein structure/function; This variant is associated with the following publications: (PMID: 31785789, 31278258)

NM_001330260.2(SCN8A):c.3922T>C (p.Ser1308Pro)

Gene: SCN8A (sodium voltage-gated channel alpha subunit 8; plus strand). Cytogenetic location: 12q13.13.
Variant type: single nucleotide variant.
Coding change: c.3922T>C on transcript NM_001330260.2 (MANE Select); coding-DNA position 3922, T replaced by C.
Protein change: p.Ser1308Pro; replaces serine 1308 with proline.
Molecular consequence: missense variant. On other transcripts: intron variant (2).
Genome position (GRCh38, 1-based): chr12:51,780,751, T>C. VCF-style: chr12-51780751-T-C. GRCh37 (hg19) VCF-style: chr12-52174535-T-C.
Other names: c.3922T>C, p.Ser1308Pro (NM_014191.4); c.3820-5791T>C (NM_001177984.3, NM_001369788.1); short protein forms S1308P.
Identifiers: ClinVar variation 1700412 (VCV001700412.2), dbSNP rs2138892868, ClinGen allele CA384901553.